The following is an entry in ClinVar:

NM_022369.4(STRA6):c.-15-167G>A

Gene: STRA6 (signaling receptor and transporter of retinol STRA6; minus strand). Cytogenetic location: 15q24.1.
Variant type: single nucleotide variant.
Coding change: c.-15-167G>A on transcript NM_022369.4 (MANE Select); 167 bases into the intron before 15 bases upstream of the start codon, G replaced by A.
Molecular consequence: intron variant. On other transcripts: missense variant (1).
Genome position (GRCh38, 1-based): chr15:74,202,449, C>T on the plus strand (G>A on the coding strand, the complement: STRA6 is on the minus strand). VCF-style: chr15-74202449-C-T. GRCh37 (hg19) VCF-style: chr15-74494790-C-T.
Other names: c.71G>A, p.Ser24Asn (NM_001199042.2); c.97-167G>A (NM_001199040.2); c.-15-167G>A (NM_001142619.2, NM_001142617.2, NM_001142618.2 and 1 more transcripts); c.31-167G>A (NM_001199041.2); short protein forms S24N.
Identifiers: ClinVar variation 932112 (VCV000932112.3), dbSNP rs2074119629, ClinGen allele CA393141381.

ClinVar aggregate classification (germline): Uncertain significance (1 of 4 stars; one submission).

Conditions:
Microphthalmia, syndromic 9. Also called: ANOPHTHALMIA/MICROPHTHALMIA AND PULMONARY HYPOPLASIA; ANOPHTHALMIA, CLINICAL, WITH MILD FACIAL DYSMORPHISM AND VARIABLE MALFORMATIONS OF THE LUNG, HEART, AND DIAPHRAGM; PULMONARY AGENESIS, MICROPHTHALMIA, AND DIAPHRAGMATIC DEFECT; SPEAR SYNDROME; Matthew-Wood syndrome. Identifiers: Orphanet 2470, MedGen C1832661, MONDO:0011010, OMIM 601186.

Submission:

Centre for Mendelian Genomics, University Medical Centre Ljubljana
Classification: Uncertain significance for Microphthalmia, syndromic 9. Last evaluated: 2019-08-14. Review status: criteria provided, single submitter. Criteria: ACMG Guidelines, 2015. Collection method: clinical testing. Allele origin: unknown. Affected: yes.
Comment: This variant was classified as: Uncertain significance. The available evidence on this variant's pathogenicity is insufficient or conflicting. The following ACMG criteria were applied in classifying this variant: PM2.